The following is an entry in ClinVar:

NM_001042492.3(NF1):c.7062+5G>A

Gene: NF1 (neurofibromin 1; plus strand). Cytogenetic location: 17q11.2.
Variant type: single nucleotide variant.
Coding change: c.7062+5G>A on transcript NM_001042492.3 (MANE Select); 5 bases into the intron after coding-DNA position 7062, G replaced by A.
Molecular consequence: intron variant.
Genome position (GRCh38, 1-based): chr17:31,340,650, G>A. VCF-style: chr17-31340650-G-A. GRCh37 (hg19) VCF-style: chr17-29667668-G-A.
Other names: c.6999+5G>A (NM_000267.4).
Identifiers: ClinVar variation 4119104 (VCV004119104.1).

ClinVar aggregate classification (germline): Uncertain significance (1 of 4 stars; one submission).

Conditions:
Cardiovascular phenotype. Identifiers: MedGen CN230736.
Hereditary cancer-predisposing syndrome. Also called: Hereditary neoplastic syndrome; Neoplastic Syndromes, Hereditary; Tumor predisposition; Hereditary Cancer Syndrome. Identifiers: Orphanet 140162, MedGen C0027672, MeSH D009386, MONDO:0015356.

Submission:

Ambry Genetics
Classification: Uncertain significance for Cardiovascular phenotype; Hereditary cancer-predisposing syndrome. Last evaluated: 2025-07-23. Review status: criteria provided, single submitter. Criteria: Ambry Variant Classification Scheme 2023. Collection method: clinical testing. Allele origin: germline.
Comment: The c.6999+5G>A intronic variant results from a G to A substitution 5 nucleotides after coding exon 46 in the NF1 gene. This nucleotide position is well conserved in available vertebrate species. In silico splice site analysis predicts that this alteration may weaken the native splice donor site; however, direct evidence is insufficient at this time (Ambry internal data). Based on the available evidence, the clinical significance of this variant remains unclear.